The following is an entry in ClinVar:

ClinVar aggregate classification (germline): Uncertain significance (1 of 4 stars; one submission).

Submission:

Ambry Genetics
Classification: Uncertain significance. Last evaluated: 2022-04-26. Review status: criteria provided, single submitter. Criteria: Ambry Variant Classification Scheme 2023. Collection method: clinical testing. Allele origin: germline.
Comment: The p.Q741E variant (also known as c.2221C>G), located in coding exon 4 of the ALPK2 gene, results from a C to G substitution at nucleotide position 2221. The glutamine at codon 741 is replaced by glutamic acid, an amino acid with highly similar properties. This amino acid position is conserved. In addition, this alteration is predicted to be tolerated by in silico analysis. Since supporting evidence is limited at this time, the clinical significance of this alteration remains unclear.

NM_052947.4(ALPK2):c.2221C>G (p.Gln741Glu)

Gene: ALPK2 (alpha kinase 2; minus strand). Cytogenetic location: 18q21.31.
Variant type: single nucleotide variant.
Coding change: c.2221C>G on transcript NM_052947.4 (MANE Select); coding-DNA position 2221, C replaced by G.
Protein change: p.Gln741Glu; replaces glutamine 741 with glutamic acid.
Molecular consequence: missense variant.
Genome position (GRCh38, 1-based): chr18:58,537,966, G>C on the plus strand (C>G on the coding strand, the complement: ALPK2 is on the minus strand). VCF-style: chr18-58537966-G-C. GRCh37 (hg19) VCF-style: chr18-56205198-G-C.
Other names: short protein forms Q741E.
Identifiers: ClinVar variation 1787933 (VCV001787933.2), dbSNP rs1237286176, ClinGen allele CA402571233.